The following is an entry in ClinVar:

ClinVar aggregate classification (germline): Uncertain significance (1 of 4 stars; one submission).

Conditions:
Nephronophthisis. Also called: Juvenile Nephronophthisis. Identifiers: Orphanet 655, MedGen C0687120, MONDO:0019005, HP:0000090.

Allele frequency attached by ClinVar (database versions not stated): gnomAD exomes below 0.00001; gnomAD 0.00001.
gnomAD v4.1: 4 of 1,611,194 alleles (0.00025%); highest among the groups gnomAD compares: African/African-American, 0.004%; no homozygotes.

Submission:

Labcorp Genetics (formerly Invitae), Labcorp
Classification: Uncertain significance for Nephronophthisis. Last evaluated: 2024-12-26. Review status: criteria provided, single submitter. Criteria: Invitae Variant Classification Sherloc (09022015). Collection method: clinical testing. Allele origin: germline.
Comment: This sequence change replaces alanine, which is neutral and non-polar, with valine, which is neutral and non-polar, at codon 348 of the NPHP1 protein (p.Ala348Val). This variant is present in population databases (no rsID available, gnomAD 0.003%). This variant has not been reported in the literature in individuals affected with NPHP1-related conditions. ClinVar contains an entry for this variant (Variation ID: 1463068). Invitae Evidence Modeling of protein sequence and biophysical properties (such as structural, functional, and spatial information, amino acid conservation, physicochemical variation, residue mobility, and thermodynamic stability) indicates that this missense variant is not expected to disrupt NPHP1 protein function with a negative predictive value of 80%. In summary, the available evidence is currently insufficient to determine the role of this variant in disease. Therefore, it has been classified as a Variant of Uncertain Significance.

NM_001128178.3(NPHP1):c.875C>T (p.Ala292Val)

Gene: NPHP1 (nephrocystin 1; minus strand). Cytogenetic location: 2q13.
Variant type: single nucleotide variant.
Coding change: c.875C>T on transcript NM_001128178.3 (MANE Select); coding-DNA position 875, C replaced by T.
Protein change: p.Ala292Val; replaces alanine 292 with valine.
Molecular consequence: missense variant.
Genome position (GRCh38, 1-based): chr2:110,161,682, G>A on the plus strand (C>T on the coding strand, the complement: NPHP1 is on the minus strand). VCF-style: chr2-110161682-G-A. GRCh37 (hg19) VCF-style: chr2-110919259-G-A.
Other names: c.1043C>T, p.Ala348Val (NM_000272.5); c.686C>T, p.Ala229Val (NM_001128179.3); c.872C>T, p.Ala291Val (NM_001374256.1); c.875C>T, p.Ala292Val (NM_001374257.1); c.1040C>T, p.Ala347Val (NM_207181.4); short protein forms A347V, A292V, A348V, A229V, A291V.
Identifiers: ClinVar variation 1463068 (VCV001463068.6), dbSNP rs1179796852, ClinGen allele CA348090334.